The following is an entry in ClinVar:

ClinVar aggregate classification (germline): Likely benign (0 of 4 stars; one submission).

Conditions:
JAG1-related disorder. Also called: JAG1-related disorders; JAG1-related condition.

Submission:

PreventionGenetics, part of Exact Sciences
Classification: Likely benign for JAG1-related condition. Last evaluated: 2022-11-19. Review status: no assertion criteria provided. Collection method: clinical testing. Allele origin: germline.
Comment: This variant is classified as likely benign based on ACMG/AMP sequence variant interpretation guidelines (Richards et al. 2015 PMID: 25741868, with internal and published modifications).

NM_000214.3(JAG1):c.1395+8A>T

Gene: JAG1 (jagged canonical Notch ligand 1; minus strand). Cytogenetic location: 20p12.2.
Variant type: single nucleotide variant.
Coding change: c.1395+8A>T on transcript NM_000214.3 (MANE Select); 8 bases into the intron after coding-DNA position 1395, A replaced by T.
Molecular consequence: intron variant.
Genome position (GRCh38, 1-based): chr20:10,649,053, T>A on the plus strand (A>T on the coding strand, the complement: JAG1 is on the minus strand). VCF-style: chr20-10649053-T-A. GRCh37 (hg19) VCF-style: chr20-10629701-T-A.
Identifiers: ClinVar variation 3044652 (VCV003044652.2), dbSNP rs2514517811, ClinGen allele CA2740097012.